The following is an entry in ClinVar:

NM_001134407.3(GRIN2A):c.1275G>A (p.Leu425=)

Gene: GRIN2A (glutamate ionotropic receptor NMDA type subunit 2A; minus strand). Cytogenetic location: 16p13.2.
Variant type: single nucleotide variant.
Coding change: c.1275G>A on transcript NM_001134407.3 (MANE Select); coding-DNA position 1275, G replaced by A.
Protein change: p.Leu425=; no amino-acid change (leucine 425 retained).
Molecular consequence: synonymous variant.
Genome position (GRCh38, 1-based): chr16:9,849,809, C>T on the plus strand (G>A on the coding strand, the complement: GRIN2A is on the minus strand). VCF-style: chr16-9849809-C-T. GRCh37 (hg19) VCF-style: chr16-9943666-C-T.
Other names: p.Leu425=; c.1275G>A, p.Leu425= (NM_000833.5, NM_001134408.2).
Identifiers: ClinVar variation 129190 (VCV000129190.27), dbSNP rs2229193, ClinGen allele CA153035.
Genomic context (GRCh38, chr16:9,849,809, plus strand): 5'-CACTCACTTGATTTTGACGAACTTCCGACATGGCACGGTGTTCCTCACACACGTCTCGGT[C>T]AGGGGGTCTATGTCTTCCACGATGACGAATGGGGCCTCCTCCAGGGTGACGATGCTGAGA-3'
Protein context (NP_001127879.1, residues 415-435): PFVIVEDIDP[Leu425=]TETCVRNTVP

ClinVar aggregate classification (germline): Benign. Review status: criteria provided, multiple submitters, no conflicts (2 of 4 stars). 10 submissions from 10 submitters: Benign (9). 1 of the submissions does not count toward it. Last evaluated 2026-02-04.

Conditions:
Inborn genetic diseases. Identifiers: MedGen C0950123, MeSH D030342.
Landau-Kleffner syndrome (FESD). Also called: APHASIA, ACQUIRED, WITH EPILEPSY; EPILEPSY, FOCAL, WITH SPEECH DISORDER AND WITH OR WITHOUT MENTAL RETARDATION. Identifiers: Orphanet 1945, Orphanet 725, Orphanet 98818, MedGen C0282512, MONDO:0009509, OMIM 245570.

Allele frequency attached by ClinVar (database versions not stated): 1000 Genomes Project 0.22584; 1000 Genomes Project 30x 0.22908; gnomAD exomes 0.24877 and 0.27309; ExAC 0.25420; gnomAD 0.27210 and 0.27838; TOPMed 0.27228; ESP Exome Variant Server 0.29652.
gnomAD v4.1: 440,195 of 1,613,150 alleles (27%); highest among the groups gnomAD compares: African/African-American, 30%; 61,886 homozygotes.

Submissions (10):

Labcorp Genetics (formerly Invitae), Labcorp
Classification: Benign for Landau-Kleffner syndrome. Last evaluated: 2026-02-04. Review status: criteria provided, single submitter. Criteria: Invitae Variant Classification Sherloc (09022015). Collection method: clinical testing. Allele origin: germline.

Blueprint Genetics
Classification: Benign. Last evaluated: 2024-11-27. Review status: criteria provided, single submitter. Criteria: ACMG Guidelines, 2015. Collection method: clinical testing. Allele origin: germline.

Unidad de Genómica Garrahan, Hospital de Pediatría Garrahan
Classification: Benign. Last evaluated: 2024-07-15. Review status: criteria provided, single submitter. Criteria: ACMG Guidelines, 2015. Collection method: clinical testing. Allele origin: germline. Affected: no. Observed: 36 variant alleles.
Comment: This variant is classified as Benign based on local population frequency. This variant was detected in 39% of patients studied in a panel designed for Epileptic and Developmental Encephalopathy and Progressive Myoclonus Epilepsy. Number of patients: 36. Only high quality variants are reported.

Mayo Clinic Laboratories, Mayo Clinic
Classification: Benign. Last evaluated: 2018-04-02. Review status: criteria provided, single submitter. Criteria: ACMG Guidelines, 2015. Collection method: clinical testing. Allele origin: germline. Observed: 272 variant alleles.

Illumina Laboratory Services, Illumina
Classification: Benign for Landau-Kleffner syndrome. Last evaluated: 2018-01-13. Review status: criteria provided, single submitter. Criteria: ICSL Variant Classification Criteria 13 December 2019. Collection method: clinical testing. Allele origin: germline.
Comment: This variant was observed in the ICSL laboratory as part of a predisposition screen in an ostensibly healthy population. It had not been previously curated by ICSL or reported in the Human Gene Mutation Database (HGMD: prior to June 1st, 2018), and was therefore a candidate for classification through an automated scoring system. Utilizing variant allele frequency, disease prevalence and penetrance estimates, and inheritance mode, an automated score was calculated to assess if this variant is too frequent to cause the disease. Based on the score and internal cut-off values, a variant classified as benign is not then subjected to further curation. The score for this variant resulted in a classification of benign for this disease.

Ambry Genetics
Classification: Benign for Inborn genetic diseases. Last evaluated: 2015-12-31. Review status: criteria provided, single submitter. Criteria: Ambry Variant Classification Scheme 2023. Collection method: clinical testing. Allele origin: germline.

GeneDx
Classification: Benign. Last evaluated: 2015-03-03. Review status: criteria provided, single submitter. Criteria: GeneDx Variant Classification Process June 2021. Collection method: clinical testing. Allele origin: germline. Affected: yes.

Breakthrough Genomics
Classification: Benign. Review status: criteria provided, single submitter. Criteria: ACMG Guidelines, 2015. Collection method: not provided. Allele origin: germline. Inheritance: Autosomal dominant inheritance. Affected: yes.

PreventionGenetics, part of Exact Sciences
Classification: Benign. Review status: criteria provided, single submitter. Criteria: ACMG Guidelines, 2015. Collection method: clinical testing. Allele origin: germline.

Genetic Services Laboratory, University of Chicago
Classification: Likely benign for AllHighlyPenetrant. Review status: no assertion criteria provided. Collection method: clinical testing. Allele origin: germline. Inheritance: Autosomal dominant inheritance. Not counted in ClinVar's aggregate classification.
Comment: Likely benign based on allele frequency in 1000 Genomes Project or ESP global frequency and its presence in a patient with a rare or unrelated disease phenotype. NOT Sanger confirmed.